The following is an entry in ClinVar:

NM_001130987.2(DYSF):c.2568T>A (p.Tyr856Ter)

Gene: DYSF (dysferlin; plus strand). Cytogenetic location: 2p13.2.
Variant type: single nucleotide variant.
Coding change: c.2568T>A on transcript NM_001130987.2 (MANE Select); coding-DNA position 2568, T replaced by A.
Protein change: p.Tyr856Ter; replaces tyrosine 856 with a stop codon.
Molecular consequence: nonsense.
Genome position (GRCh38, 1-based): chr2:71,567,953, T>A. VCF-style: chr2-71567953-T-A. GRCh37 (hg19) VCF-style: chr2-71795083-T-A.
Other names: c.2517T>A, p.Tyr839Ter (NM_001130455.2, NM_001130983.2); c.2472T>A, p.Tyr824Ter (NM_001130976.2, NM_001130977.2); c.2514T>A, p.Tyr838Ter (NM_001130978.2, NM_003494.4); c.2607T>A, p.Tyr869Ter (NM_001130979.2); c.2565T>A, p.Tyr855Ter (NM_001130980.2, NM_001130981.2); c.2610T>A, p.Tyr870Ter (NM_001130982.2); c.2475T>A, p.Tyr825Ter (NM_001130984.2, NM_001130986.2); c.2568T>A, p.Tyr856Ter (NM_001130985.2); short protein forms Y839*, Y824*, Y825*, Y838*, Y856*, Y855*, Y870*, Y869*.
Identifiers: ClinVar variation 938081 (VCV000938081.14), dbSNP rs2092204417, ClinGen allele CA347213004.

ClinVar aggregate classification (germline): Pathogenic/Likely pathogenic. Review status: criteria provided, multiple submitters, no conflicts (2 of 4 stars). 3 submissions from 3 submitters: Pathogenic (2); Likely pathogenic (1). Last evaluated 2022-02-04.

Conditions:
Neuromuscular disease caused by qualitative or quantitative defects of dysferlin. Also called: Qualitative or quantitative defects of dysferlin; Dysferlinopathy. Identifiers: Orphanet 207073, MedGen C2931687, MONDO:0016145.
Autosomal recessive limb-girdle muscular dystrophy. Identifiers: Orphanet 102015, MedGen C2931907, MONDO:0015152.

Allele frequency attached by ClinVar (database versions not stated): TOPMed below 0.00001.

Submissions (3):

Labcorp Genetics (formerly Invitae), Labcorp
Classification: Pathogenic for Neuromuscular disease caused by qualitative or quantitative defects of dysferlin. Last evaluated: 2022-02-04. Review status: criteria provided, single submitter. Criteria: Invitae Variant Classification Sherloc (09022015). Collection method: clinical testing. Allele origin: germline.
Comment: For these reasons, this variant has been classified as Pathogenic. ClinVar contains an entry for this variant (Variation ID: 938081). This variant has not been reported in the literature in individuals affected with DYSF-related conditions. This variant is not present in population databases (gnomAD no frequency). This sequence change creates a premature translational stop signal (p.Tyr838*) in the DYSF gene. It is expected to result in an absent or disrupted protein product. Loss-of-function variants in DYSF are known to be pathogenic (PMID: 17698709, 20301480).

GeneDx
Classification: Pathogenic. Last evaluated: 2021-11-18. Review status: criteria provided, single submitter. Criteria: GeneDx Variant Classification Process June 2021. Collection method: clinical testing. Allele origin: germline. Affected: yes.
Comment: Nonsense variant predicted to result in protein truncation or nonsense mediated decay in a gene for which loss-of-function is a known mechanism of disease; Not observed in large population cohorts (Lek et al., 2016); Has not been previously published as pathogenic or benign to our knowledge

Myriad Genetics, Inc.
Classification: Likely pathogenic for Autosomal recessive limb-girdle muscular dystrophy. Last evaluated: 2020-03-01. Review status: criteria provided, single submitter. Criteria: Myriad Autosomal Dominant, Autosomal Recessive and X-Linked Classification Criteria (2023). Collection method: clinical testing. Allele origin: unknown.
Comment: NM_003494.3(DYSF):c.2514T>A(Y838*) is expected to be pathogenic in the context of dysferlinopathy. This variant is predicted to lead to an abnormal or absent protein product due to the creation of a premature termination codon in DYSF, a gene where loss-of-function variants are known to be pathogenic. Please note: this variant was assessed in the context of healthy population screening.

Literature cited by the submitters: PubMed 17698709 (cited by Labcorp Genetics (formerly Invitae), Labcorp); PubMed 20301480 (cited by Labcorp Genetics (formerly Invitae), Labcorp).